The following is an entry in ClinVar:

NM_004360.5(CDH1):c.2137A>G (p.Ile713Val)

Gene: CDH1 (cadherin 1; plus strand). Cytogenetic location: 16q22.1.
Variant type: single nucleotide variant.
Coding change: c.2137A>G on transcript NM_004360.5 (MANE Select); coding-DNA position 2137, A replaced by G.
Protein change: p.Ile713Val; replaces isoleucine 713 with valine.
Molecular consequence: missense variant.
Genome position (GRCh38, 1-based): chr16:68,823,599, A>G. VCF-style: chr16-68823599-A-G. GRCh37 (hg19) VCF-style: chr16-68857502-A-G.
Other names: c.1954A>G, p.Ile652Val (NM_001317184.2); c.589A>G, p.Ile197Val (NM_001317185.2); c.172A>G, p.Ile58Val (NM_001317186.2); short protein forms I197V, I58V, I652V, I713V.
Identifiers: ClinVar variation 929079 (VCV000929079.1), dbSNP rs1289236005, ClinGen allele CA396467920.

ClinVar aggregate classification (germline): Uncertain significance (1 of 4 stars; one submission).

Submission:

Women's Health and Genetics/Laboratory Corporation of America, LabCorp
Classification: Uncertain significance. Last evaluated: 2019-02-27. Review status: criteria provided, single submitter. Criteria: LabCorp Variant Classification Summary - May 2015. Collection method: clinical testing. Allele origin: germline.
Comment: Variant summary: CDH1 c.2137A>G (p.Ile713Val) results in a conservative amino acid change in the encoded protein sequence. Four of five in-silico tools predict a benign effect of the variant on protein function. The variant was absent in 244688 control chromosomes (gnomAD). The available data on variant occurrences in the general population are insufficient to allow any conclusion about variant significance. To our knowledge, no occurrence of c.2137A>G in individuals affected with Hereditary Diffuse Gastric Cancer and no experimental evidence demonstrating its impact on protein function have been reported. A co-occurrence with a pathogenic variant has been reported in our internal database (BRCA1 c.2800C>T, p.Gln934X). No clinical diagnostic laboratories have submitted clinical-significance assessments for this variant to ClinVar after 2014. Based on the evidence outlined above, the variant was classified as uncertain significance.